The following is an entry in ClinVar:

ClinVar aggregate classification (germline): Likely pathogenic (1 of 4 stars; one submission).

Conditions:
Familial hemophagocytic lymphohistiocytosis 3 (FHL3). Also called: UNC13D-Related Familial Hemophagocytic Lymphohistiocytosis (UNC13D-fHLH). Identifiers: Orphanet 540, MedGen C1837174, MONDO:0012146, OMIM 608898.

Submission:

Labcorp Genetics (formerly Invitae), Labcorp
Classification: Likely pathogenic for Familial hemophagocytic lymphohistiocytosis 3. Last evaluated: 2023-08-14. Review status: criteria provided, single submitter. Criteria: Invitae Variant Classification Sherloc (09022015). Collection method: clinical testing. Allele origin: germline.
Comment: This sequence change affects a donor splice site in intron 14 of the UNC13D gene. It is expected to disrupt RNA splicing. Variants that disrupt the donor or acceptor splice site typically lead to a loss of protein function (PMID: 16199547), and loss-of-function variants in UNC13D are known to be pathogenic (PMID: 14622600). This variant is not present in population databases (gnomAD no frequency). This variant has not been reported in the literature in individuals affected with UNC13D-related conditions. Algorithms developed to predict the effect of sequence changes on RNA splicing suggest that this variant may create or strengthen a splice site. In summary, the currently available evidence indicates that the variant is pathogenic, but additional data are needed to prove that conclusively. Therefore, this variant has been classified as Likely Pathogenic.

Literature cited by the submitters: PubMed 16199547; PubMed 14622600.

NM_199242.3(UNC13D):c.1298+2T>C

Gene: UNC13D (unc-13 homolog D; minus strand). Cytogenetic location: 17q25.1.
Variant type: single nucleotide variant.
Coding change: c.1298+2T>C on transcript NM_199242.3 (MANE Select); the canonical splice donor site of the intron after coding-DNA position 1298, T replaced by C.
Molecular consequence: splice donor variant.
Genome position (GRCh38, 1-based): chr17:75,836,570, A>G on the plus strand (T>C on the coding strand, the complement: UNC13D is on the minus strand). VCF-style: chr17-75836570-A-G. GRCh37 (hg19) VCF-style: chr17-73832651-A-G.
Identifiers: ClinVar variation 3014194 (VCV003014194.4), dbSNP rs1030766172, ClinGen allele CA294087146.
Genomic context (GRCh38, chr17:75,836,570, plus strand): 5'-CAGGCACCCCAGCTGCTCCCTCATCCCTGACCCCACCGAGGAAGAGGAAGGCAGCCACTG[A>G]CCTGAGAAGAGACTGCAGCCGGGCTGGGGAGTCCGAGACAGAGAGGGGGAAGACAGAGCG-3'